The following is an entry in ClinVar:

ClinVar aggregate classification (germline): Uncertain significance (1 of 4 stars; one submission).

Allele frequency attached by ClinVar (database versions not stated): gnomAD exomes 0.00001.
gnomAD v4.1: 3 of 1,613,814 alleles (0.00019%); no homozygotes.

Submission:

Labcorp Genetics (formerly Invitae), Labcorp
Classification: Uncertain significance. Last evaluated: 2023-12-21. Review status: criteria provided, single submitter. Criteria: Invitae Variant Classification Sherloc (09022015). Collection method: clinical testing. Allele origin: germline.
Comment: This sequence change replaces histidine, which is basic and polar, with leucine, which is neutral and non-polar, at codon 110 of the WNT5A protein (p.His110Leu). This variant is present in population databases (no rsID available, gnomAD no frequency). This variant has not been reported in the literature in individuals affected with WNT5A-related conditions. ClinVar contains an entry for this variant (Variation ID: 2002081). Advanced modeling of protein sequence and biophysical properties (such as structural, functional, and spatial information, amino acid conservation, physicochemical variation, residue mobility, and thermodynamic stability) performed at Invitae indicates that this missense variant is not expected to disrupt WNT5A protein function with a negative predictive value of 80%. In summary, the available evidence is currently insufficient to determine the role of this variant in disease. Therefore, it has been classified as a Variant of Uncertain Significance.

NM_003392.7(WNT5A):c.329A>T (p.His110Leu)

Gene: WNT5A (Wnt family member 5A; minus strand). Cytogenetic location: 3p14.3.
Variant type: single nucleotide variant.
Coding change: c.329A>T on transcript NM_003392.7 (MANE Select); coding-DNA position 329, A replaced by T.
Protein change: p.His110Leu; replaces histidine 110 with leucine.
Molecular consequence: missense variant.
Genome position (GRCh38, 1-based): chr3:55,479,376, T>A on the plus strand (A>T on the coding strand, the complement: WNT5A is on the minus strand). VCF-style: chr3-55479376-T-A. GRCh37 (hg19) VCF-style: chr3-55513404-T-A.
Other names: c.284A>T, p.His95Leu (NM_001256105.1, NM_001377271.1, NM_001377272.1); short protein forms H95L, H110L.
Identifiers: ClinVar variation 2002081 (VCV002002081.4), dbSNP rs1280851148, ClinGen allele CA353267023.